The following is an entry in ClinVar:

ClinVar aggregate classification (germline): Pathogenic (1 of 4 stars; one submission).

Conditions:
H syndrome. Also called: Histiocytosis with joint contractures and sensorineural deafness; HISTIOCYTOSIS AND LYMPHADENOPATHY WITH OR WITHOUT CUTANEOUS, CARDIAC, AND/OR ENDOCRINE FEATURES, JOINT CONTRACTURES, AND/OR DEAFNESS; HYPERPIGMENTATION, CUTANEOUS, WITH HYPERTRICHOSIS, HEPATOSPLENOMEGALY, HEART ANOMALIES, AND HYPOGONADISM WITH OR WITHOUT HEARING LOSS; PIGMENTED HYPERTRICHOSIS WITH INSULIN-DEPENDENT DIABETES MELLITUS; ROSAI-DORFMAN DISEASE, FAMILIAL; SINUS HISTIOCYTOSIS AND MASSIVE LYMPHADENOPATHY. Identifiers: Orphanet 168569, MedGen C1864445, MONDO:0011273, OMIM 602782.

Submission:

Labcorp Genetics (formerly Invitae), Labcorp
Classification: Pathogenic for H syndrome. Last evaluated: 2021-10-03. Review status: criteria provided, single submitter. Criteria: Invitae Variant Classification Sherloc (09022015). Collection method: clinical testing. Allele origin: germline.
Comment: This sequence change creates a premature translational stop signal (p.Val148Glyfs*2) in the SLC29A3 gene. It is expected to result in an absent or disrupted protein product. Loss-of-function variants in SLC29A3 are known to be pathogenic (PMID: 19336477, 20595384, 23406517, 25963354). This variant is not present in population databases (ExAC no frequency). This variant has not been reported in the literature in individuals affected with SLC29A3-related conditions. For these reasons, this variant has been classified as Pathogenic.

Literature cited by the submitters: PubMed 19336477; PubMed 20595384; PubMed 23406517; PubMed 25963354.

NM_018344.6(SLC29A3):c.443del (p.Val148fs)

Gene: SLC29A3 (solute carrier family 29 member 3; plus strand). Cytogenetic location: 10q22.1.
Variant type: Deletion.
Coding change: c.443del on transcript NM_018344.6 (MANE Select); coding-DNA position 443, one base deleted (T; older notation c.443delT).
Protein change: p.Val148fs; shifts the reading frame from valine 148.
Molecular consequence: frameshift variant. On other transcripts: non-coding transcript variant (1).
Genome position (GRCh38, 1-based): chr10:71,351,621, T deleted. VCF-style (leftmost placement, unchanged base first): chr10-71351620-GT-G. GRCh37 (hg19) VCF-style: chr10-73111377-GT-G.
Other names: c.443del, p.Val148fs (NM_001174098.2); c.209del, p.Val70fs (NM_001363518.2); short protein forms V148fs, V70fs.
Identifiers: ClinVar variation 1390366 (VCV001390366.6), dbSNP rs2131839011, ClinGen allele CA2573145496.